The following is an entry in ClinVar:

NM_183357.3(ADCY5):c.2179A>G (p.Arg727Gly)

Gene: ADCY5 (adenylate cyclase 5; minus strand). Cytogenetic location: 3q21.1.
Variant type: single nucleotide variant.
Coding change: c.2179A>G on transcript NM_183357.3 (MANE Select); coding-DNA position 2179, A replaced by G.
Protein change: p.Arg727Gly; replaces arginine 727 with glycine.
Molecular consequence: missense variant.
Genome position (GRCh38, 1-based): chr3:123,319,751, T>C on the plus strand (A>G on the coding strand, the complement: ADCY5 is on the minus strand). VCF-style: chr3-123319751-T-C. GRCh37 (hg19) VCF-style: chr3-123038598-T-C.
Other names: c.2179A>G (NM_183357.2); c.1129A>G, p.Arg377Gly (NM_001199642.1); c.2179A>G, p.Arg727Gly (NM_001378259.1); short protein forms R377G, R727G.
Identifiers: ClinVar variation 2118762 (VCV002118762.6), dbSNP rs2472794733, ClinGen allele CA354217900.

ClinVar aggregate classification (germline): Conflicting classifications of pathogenicity. Review status: criteria provided, conflicting classifications (1 of 4 stars). 3 submissions from 3 submitters: Likely pathogenic (1); Uncertain significance (2). Last evaluated 2024-05-29.

Conditions:
Morphological central nervous system abnormality. Identifiers: MedGen C4021765, MONDO:0002602, HP:0002011.

Submissions (3):

GeneDx
Classification: Uncertain significance. Last evaluated: 2024-05-29. Review status: criteria provided, single submitter. Criteria: GeneDx Variant Classification Process June 2021. Collection method: clinical testing. Allele origin: germline. Affected: yes.
Comment: Not observed at significant frequency in large population cohorts (gnomAD); In silico analysis supports that this missense variant has a deleterious effect on protein structure/function; Has not been previously published as pathogenic or benign to our knowledge

Labcorp Genetics (formerly Invitae), Labcorp
Classification: Uncertain significance. Last evaluated: 2022-03-28. Review status: criteria provided, single submitter. Criteria: Invitae Variant Classification Sherloc (09022015). Collection method: clinical testing. Allele origin: germline.
Comment: Advanced modeling of protein sequence and biophysical properties (such as structural, functional, and spatial information, amino acid conservation, physicochemical variation, residue mobility, and thermodynamic stability) performed at Invitae indicates that this missense variant is expected to disrupt ADCY5 protein function. In summary, the available evidence is currently insufficient to determine the role of this variant in disease. Therefore, it has been classified as a Variant of Uncertain Significance. This variant has not been reported in the literature in individuals affected with ADCY5-related conditions. This variant is not present in population databases (gnomAD no frequency). This sequence change replaces arginine, which is basic and polar, with glycine, which is neutral and non-polar, at codon 727 of the ADCY5 protein (p.Arg727Gly).

Cambridge Genomics Laboratory, East Genomic Laboratory Hub, NHS Genomic Medicine Service
Classification: Likely pathogenic for Morphological central nervous system abnormality. Last evaluated: 2019-04-17. Review status: criteria provided, single submitter. Criteria: ACGS Best Practice Guidelines for Variant Classification in Rare Disease 2020. Collection method: clinical testing. Allele origin: germline. Affected: yes. Observed: 1 variant allele.